The following is an entry in ClinVar:

ClinVar aggregate classification (germline): Uncertain significance (1 of 4 stars; one submission).

Submission:

Labcorp Genetics (formerly Invitae), Labcorp
Classification: Uncertain significance. Last evaluated: 2022-06-12. Review status: criteria provided, single submitter. Criteria: Invitae Variant Classification Sherloc (09022015). Collection method: clinical testing. Allele origin: germline.
Comment: In summary, the available evidence is currently insufficient to determine the role of this variant in disease. Therefore, it has been classified as a Variant of Uncertain Significance. Experimental studies and prediction algorithms are not available or were not evaluated, and the functional significance of this variant is currently unknown. This variant has not been reported in the literature in individuals affected with MYO18B-related conditions. This variant results in a copy number gain of the genomic region encompassing exon(s) 2-39 of the MYO18B gene. This region includes the initiator codon of the gene. This copy number gain extends beyond the assayed region for this gene and therefore may encompass additional genes. As the precise location of this event is unknown, it may be in tandem or it may be located elsewhere in the genome.

NC_000022.10:g.(?_26142492)_(26351350_?)dup

Gene: MYO18B (myosin XVIIIB; plus strand). Cytogenetic location: 22q12.1.
Variant type: Duplication.
Identifiers: ClinVar variation 2427054 (VCV002427054.4).